The following is an entry in ClinVar:

ClinVar aggregate classification (germline): Conflicting classifications of pathogenicity. Review status: criteria provided, conflicting classifications (1 of 4 stars). 3 submissions from 3 submitters: Uncertain significance (2); Likely benign (1). Last evaluated 2024-10-20.

Conditions:
Indifference to pain, congenital, autosomal dominant. Also called: CONGENITAL ANALGESIA, AUTOSOMAL DOMINANT. Identifiers: MedGen C4538468, OMIM 147430, MONDO:0007828.

gnomAD v4.1: 51 of 1,451,900 alleles (0.0035%); highest among the groups gnomAD compares: Non-Finnish European, 0.0044%; no homozygotes.

Submissions (3):

Ambry Genetics
Classification: Uncertain significance. Last evaluated: 2024-10-20. Review status: criteria provided, single submitter. Criteria: Ambry Variant Classification Scheme 2023. Collection method: clinical testing. Allele origin: germline.

CeGaT Center for Human Genetics Tuebingen
Classification: Likely benign. Last evaluated: 2024-08-01. Review status: criteria provided, single submitter. Criteria: CeGaT Center For Human Genetics Tuebingen Variant Classification Criteria Version 2. Collection method: clinical testing. Allele origin: germline. Affected: yes. Observed: 1 variant allele.
Comment: ZFHX2: BS2

Department of Pathology and Laboratory Medicine, Sinai Health System
Classification: Uncertain significance for Indifference to pain, congenital, autosomal dominant. Last evaluated: 2023-04-05. Review status: criteria provided, single submitter. Criteria: ACMG Guidelines, 2015. Collection method: research. Allele origin: germline.

NM_033400.3(ZFHX2):c.4079A>T (p.Gln1360Leu)

Genes: THTPA (thiamine triphosphatase; plus strand), ZFHX2 (zinc finger homeobox 2; minus strand). Cytogenetic location: 14q11.2.
Variant type: single nucleotide variant.
Coding change: c.4079A>T on transcript NM_033400.3 (MANE Select); coding-DNA position 4079, A replaced by T.
Protein change: p.Gln1360Leu; replaces glutamine 1360 with leucine.
Molecular consequence: missense variant.
Genome position (GRCh38, 1-based): chr14:23,525,863, T>A on the plus strand (A>T on the coding strand, the complement: ZFHX2 is on the minus strand). VCF-style: chr14-23525863-T-A. GRCh37 (hg19) VCF-style: chr14-23995072-T-A.
Other names: c.4079A>T (NM_033400.2); short protein forms Q1360L.
Identifiers: ClinVar variation 3341852 (VCV003341852.18).